The following is an entry in ClinVar:

NM_001197293.3(DPYSL2):c.833G>A (p.Arg278His)

Gene: DPYSL2 (dihydropyrimidinase like 2; plus strand). Cytogenetic location: 8p21.2.
Variant type: single nucleotide variant.
Coding change: c.833G>A on transcript NM_001197293.3 (MANE Select); coding-DNA position 833, G replaced by A.
Protein change: p.Arg278His; replaces arginine 278 with histidine.
Molecular consequence: missense variant.
Genome position (GRCh38, 1-based): chr8:26,626,656, G>A. VCF-style: chr8-26626656-G-A. GRCh37 (hg19) VCF-style: chr8-26484172-G-A.
Other names: c.410G>A, p.Arg137His (NM_001244604.2); c.518G>A, p.Arg173His (NM_001386.6); short protein forms R137H, R173H, R278H.
Identifiers: ClinVar variation 3054564 (VCV003054564.2), dbSNP rs111686178, ClinGen allele CA4686445.

ClinVar aggregate classification (germline): Likely benign (0 of 4 stars; one submission).

Conditions:
DPYSL2-related disorder. Also called: DPYSL2-related condition.

Allele frequency attached by ClinVar (database versions not stated): gnomAD exomes 0.00007; gnomAD 0.00010; ExAC 0.00022; 1000 Genomes Project 30x 0.00078; 1000 Genomes Project 0.00100.
gnomAD v4.1: 115 of 1,614,160 alleles (0.0071%); highest among the groups gnomAD compares: East Asian, 0.22%; no homozygotes.

Submission:

PreventionGenetics, part of Exact Sciences
Classification: Likely benign for DPYSL2-related condition. Last evaluated: 2023-06-08. Review status: no assertion criteria provided. Collection method: clinical testing. Allele origin: germline.
Comment: This variant is classified as likely benign based on ACMG/AMP sequence variant interpretation guidelines (Richards et al. 2015 PMID: 25741868, with internal and published modifications).